The following is an entry in ClinVar:

ClinVar aggregate classification (germline): Likely benign (1 of 4 stars; one submission).

Conditions:
TCTN3-related disorder. Also called: TCTN3-related condition.

gnomAD v4.1: 3 of 1,551,658 alleles (0.00019%); highest among the groups gnomAD compares: Admixed American, 0.002%; no homozygotes.

Submission:

PreventionGenetics, part of Exact Sciences
Classification: Likely benign for TCTN3-related condition. Last evaluated: 2026-04-30. Review status: criteria provided, single submitter. Criteria: ACMG Guidelines, 2015. Collection method: clinical testing. Allele origin: germline.
Comment: This variant is classified as likely benign based on ACMG/AMP sequence variant interpretation guidelines (Richards et al. 2015 PMID: 25741868, with internal and published modifications).

NM_015631.6(TCTN3):c.123G>A (p.Gly41=)

Genes: TCTN3 (tectonic family member 3; minus strand), LOC130004408 (ATAC-STARR-seq lymphoblastoid active region 3801; plus strand). Cytogenetic location: 10q24.1.
Variant type: single nucleotide variant.
Coding change: c.123G>A on transcript NM_015631.6 (MANE Select); coding-DNA position 123, G replaced by A.
Protein change: p.Gly41=; no amino-acid change (glycine 41 retained).
Molecular consequence: synonymous variant.
Genome position (GRCh38, 1-based): chr10:95,693,777, C>T on the plus strand (G>A on the coding strand, the complement: TCTN3 is on the minus strand). VCF-style: chr10-95693777-C-T. GRCh37 (hg19) VCF-style: chr10-97453534-C-T.
Other names: c.123G>A, p.Gly41= (NM_001143973.2, NM_001410982.1).
Identifiers: ClinVar variation 4993386 (VCV004993386.1).